The following is an entry in ClinVar:

ClinVar aggregate classification (germline): Uncertain significance (1 of 4 stars; one submission).

Conditions:
Capillary malformation-arteriovenous malformation syndrome. Also called: Capillary malformation-arteriovenous malformation. Identifiers: Orphanet 137667, MedGen C1842180, MONDO:0012016.

Allele frequency attached by ClinVar (database versions not stated): gnomAD exomes 0.00001.
gnomAD v4.1: 11 of 1,613,828 alleles (0.00068%); highest among the groups gnomAD compares: African/African-American, 0.0013%; no homozygotes.

Submission:

Labcorp Genetics (formerly Invitae), Labcorp
Classification: Uncertain significance for Capillary malformation-arteriovenous malformation syndrome. Last evaluated: 2024-02-17. Review status: criteria provided, single submitter. Criteria: Invitae Variant Classification Sherloc (09022015). Collection method: clinical testing. Allele origin: germline.
Comment: This sequence change replaces serine, which is neutral and polar, with phenylalanine, which is neutral and non-polar, at codon 215 of the RASA1 protein (p.Ser215Phe). This variant is present in population databases (no rsID available, gnomAD 0.007%). This variant has not been reported in the literature in individuals affected with RASA1-related conditions. ClinVar contains an entry for this variant (Variation ID: 1950096). An algorithm developed to predict the effect of missense changes on protein structure and function (PolyPhen-2) suggests that this variant is likely to be disruptive. In summary, the available evidence is currently insufficient to determine the role of this variant in disease. Therefore, it has been classified as a Variant of Uncertain Significance.

NM_002890.3(RASA1):c.644C>T (p.Ser215Phe)

Genes: CCNH (cyclin H; minus strand), RASA1 (RAS p21 protein activator 1; plus strand). Cytogenetic location: 5q14.3.
Variant type: single nucleotide variant.
Coding change: c.644C>T on transcript NM_002890.3 (MANE Select); coding-DNA position 644, C replaced by T.
Protein change: p.Ser215Phe; replaces serine 215 with phenylalanine.
Molecular consequence: missense variant. On other transcripts: intron variant (1).
Genome position (GRCh38, 1-based): chr5:87,331,452, C>T. VCF-style: chr5-87331452-C-T. GRCh37 (hg19) VCF-style: chr5-86627269-C-T.
Other names: c.113C>T, p.Ser38Phe (NM_022650.3); c.934-18657G>A (NM_001364075.2); short protein forms S215F, S38F.
Identifiers: ClinVar variation 1950096 (VCV001950096.4), dbSNP rs1399533599, ClinGen allele CA360376014.